The following is an entry in ClinVar:

ClinVar aggregate classification (germline): Uncertain significance (1 of 4 stars; one submission).

Allele frequency attached by ClinVar (database versions not stated): TOPMed below 0.00001.

Submission:

Labcorp Genetics (formerly Invitae), Labcorp
Classification: Uncertain significance. Last evaluated: 2022-10-04. Review status: criteria provided, single submitter. Criteria: Invitae Variant Classification Sherloc (09022015). Collection method: clinical testing. Allele origin: germline.
Comment: In summary, the available evidence is currently insufficient to determine the role of this variant in disease. Therefore, it has been classified as a Variant of Uncertain Significance. Algorithms developed to predict the effect of missense changes on protein structure and function are either unavailable or do not agree on the potential impact of this missense change (SIFT: "Tolerated"; PolyPhen-2: "Possibly Damaging"; Align-GVGD: "Class C0"). This variant has not been reported in the literature in individuals affected with IRF4-related conditions. This variant is not present in population databases (gnomAD no frequency). This sequence change replaces glutamine, which is neutral and polar, with lysine, which is basic and polar, at codon 300 of the IRF4 protein (p.Gln300Lys).

NM_002460.4(IRF4):c.898C>A (p.Gln300Lys)

Gene: IRF4 (interferon regulatory factor 4; plus strand). Cytogenetic location: 6p25.3.
Variant type: single nucleotide variant.
Coding change: c.898C>A on transcript NM_002460.4 (MANE Select); coding-DNA position 898, C replaced by A.
Protein change: p.Gln300Lys; replaces glutamine 300 with lysine.
Molecular consequence: missense variant. On other transcripts: non-coding transcript variant (1).
Genome position (GRCh38, 1-based): chr6:401,576, C>A. VCF-style: chr6-401576-C-A. GRCh37 (hg19) VCF-style: chr6-401576-C-A.
Other names: c.895C>A, p.Gln299Lys (NM_001195286.2); short protein forms Q299K, Q300K.
Identifiers: ClinVar variation 1720971 (VCV001720971.5), dbSNP rs1761402066, ClinGen allele CA362548966.